The following is an entry in ClinVar:

NM_000492.4(CFTR):c.1478A>G (p.Gln493Arg)

Genes: CFTR-AS1 (CFTR antisense RNA 1; minus strand), CFTR (CF transmembrane conductance regulator; plus strand). Cytogenetic location: 7q31.2.
Variant type: single nucleotide variant.
Coding change: c.1478A>G on transcript NM_000492.4 (MANE Select); coding-DNA position 1478, A replaced by G.
Protein change: p.Gln493Arg; replaces glutamine 493 with arginine.
Molecular consequence: missense variant.
Genome position (GRCh38, 1-based): chr7:117,559,549, A>G. VCF-style: chr7-117559549-A-G. GRCh37 (hg19) VCF-style: chr7-117199603-A-G.
Other names: short protein forms Q493R.
Identifiers: ClinVar variation 53263 (VCV000053263.5), dbSNP rs397508214, ClinGen allele CA326498.

ClinVar aggregate classification (germline): Likely pathogenic. Review status: criteria provided, multiple submitters, no conflicts (2 of 4 stars). 4 submissions from 4 submitters: Likely pathogenic (3). 1 of the submissions does not count toward it. Last evaluated 2026-01-14.

Conditions:
CFTR-related disorder (CFTR-RD). Also called: CFTR-related condition; CFTR-related disorders. Identifiers: MedGen C5924204, MONDO:7770004.
Cystic fibrosis (CF). Also called: MUCOVISCIDOSIS. Identifiers: Orphanet 586, MedGen C0010674, MONDO:0009061, OMIM 219700. Disease mechanism: loss of function.

Allele frequency attached by ClinVar (database versions not stated): gnomAD 0.00001.
gnomAD v4.1: 4 of 1,611,870 alleles (0.00025%); highest among the groups gnomAD compares: African/African-American, 0.0013%; no homozygotes.

Submissions (4):

Dasa
Classification: Likely pathogenic for cystic fibrosis. Last evaluated: 2026-01-14. Review status: criteria provided, single submitter. Criteria: DASA Assertion Criteria. Collection method: clinical testing. Allele origin: germline.
Comment: NM_000492.4(CFTR):c.1478A>G (p.Gln493Arg) is a missense variant that results in the substitution of glutamine with arginine. The affected residue or protein region has prior evidence supporting clinical relevance. This variant has been recurrently observed in individuals with CFTR-related disorders (PMID: 31245908; PMID: 28830496). Functional evidence supports an impact on the gene or gene product (PMID: 31245908; PMID: 28830496). Also, this variant is rare in population databases. Computational evidence supports a deleterious effect. Based on the currently available evidence, this variant is classified as likely pathogenic.

Natera, Inc.
Classification: Likely pathogenic for CFTR-related disorders. Last evaluated: 2024-11-15. Review status: criteria provided, single submitter. Criteria: Natera Variant Classification Schema (03/2026). Collection method: clinical testing. Allele origin: germline.
Comment: The c.1478A>G variant in CFTR is a missense variant predicted to cause substitution of glutamine to arginine at amino acid 493. This variant is rare in the general population with a frequency below the threshold expected for the associated phenotype(s). This variant has been observed in one or more individuals affected with the associated recessive disease, as either homozygous or compound heterozygous with a second variant (PMID: 36891936, 7512860). This variant has been identified in one or more affected individuals with a phenotype highly consistent with the associated gene (PMID: 7512860). Computational prediction algorithms indicate this variant is likely to affect gene or protein function. Given the available evidence, this variant is classified as Likely Pathogenic.

Institute of Human Genetics, University of Leipzig Medical Center
Classification: Likely pathogenic for Cystic fibrosis. Last evaluated: 2022-09-05. Review status: criteria provided, single submitter. Criteria: ACMG Guidelines, 2015. Collection method: curation. Allele origin: unknown. Affected: yes. Observed: 1 variant allele.
Comment: The variant was classified in the context of a project re-classifying variants in the German Cystic Fibrosis Registry (Muko.e.V.). Criteria applied: PM2_SUP, PM3, PM5_STR, PP3, PP4

ClinVar Staff, National Center for Biotechnology Information (NCBI)
No classification provided. Condition: CFTR-related disorders. Review status: no classification provided. Collection method: literature only. Allele origin: germline. Affected: yes. Not counted in ClinVar's aggregate classification.

Literature cited by the submitters: PubMed 11788611 (cited by Dasa); PubMed 31245908 (cited by Dasa); PubMed 28830496 (cited by Dasa); PubMed 20150177 (cited by Dasa); PubMed 12007216 (cited by Dasa); PubMed 8675672 (cited by Dasa); PubMed 7525963 (cited by Dasa); PubMed 9099843 (cited by Dasa and ClinVar Staff, National Center for Biotechnology Information (NCBI)); PubMed 36891936 (cited by Natera, Inc.); PubMed 7512860 (cited by Natera, Inc.).